The following is an entry in ClinVar:

ClinVar aggregate classification (germline): Uncertain significance (1 of 4 stars; one submission).

Conditions:
Familial adenomatous polyposis 1 (FAP1). Also called: FAMILIAL ADENOMATOUS POLYPOSIS 1, ATTENUATED; POLYPOSIS, ADENOMATOUS INTESTINAL. Identifiers: MedGen C2713442, MONDO:0021056, OMIM 175100. Disease mechanism: loss of function.

Submission:

Labcorp Genetics (formerly Invitae), Labcorp
Classification: Uncertain significance for Familial adenomatous polyposis 1. Last evaluated: 2025-11-17. Review status: criteria provided, single submitter. Criteria: Invitae Variant Classification Sherloc (09022015). Collection method: clinical testing. Allele origin: germline.
Comment: This variant occurs in a non-coding region of the APC gene. It does not change the encoded amino acid sequence of the APC protein. This variant is not present in population databases (gnomAD no frequency). This variant has not been reported in the literature in individuals affected with APC-related conditions. Experimental studies and prediction algorithms are not available or were not evaluated, and the functional significance of this variant is currently unknown. In summary, the available evidence is currently insufficient to determine the role of this variant in disease. Therefore, it has been classified as a Variant of Uncertain Significance.

NC_000005.10:g.112707428C>T

Gene: APC (APC regulator of Wnt signaling pathway; plus strand). Cytogenetic location: 5q22.2.
Variant type: single nucleotide variant.
Genome position: GRCh38 VCF-style: chr5-112707428-C-T. GRCh37 (hg19) VCF-style: chr5-112043125-C-T.
Identifiers: ClinVar variation 1397271 (VCV001397271.8), dbSNP rs2149628664, ClinGen allele CA2573138758.